The following is an entry in ClinVar:

ClinVar aggregate classification (germline): Uncertain significance (1 of 4 stars; one submission).

gnomAD v4.1: 1 of 1,612,190 alleles (0.000062%); highest among the groups gnomAD compares: Non-Finnish European, 0.000085%; no homozygotes.

Submission:

GeneDx
Classification: Uncertain significance. Last evaluated: 2023-12-11. Review status: criteria provided, single submitter. Criteria: GeneDx Variant Classification Process June 2021. Collection method: clinical testing. Allele origin: germline. Affected: yes.
Comment: Canonical splice site variant in a gene or region of a gene for which loss of function is not a well-established mechanism of disease; Not observed at significant frequency in large population cohorts (gnomAD); Has not been previously published as pathogenic or benign to our knowledge

NM_016030.6(TRAPPC12):c.1678-2A>C

Gene: TRAPPC12 (trafficking protein particle complex subunit 12; plus strand). Cytogenetic location: 2p25.3.
Variant type: single nucleotide variant.
Coding change: c.1678-2A>C on transcript NM_016030.6 (MANE Select); the canonical splice acceptor site of the intron before coding-DNA position 1678, A replaced by C.
Molecular consequence: splice acceptor variant.
Genome position (GRCh38, 1-based): chr2:3,465,595, A>C. VCF-style: chr2-3465595-A-C. GRCh37 (hg19) VCF-style: chr2-3469366-A-C.
Other names: c.1678-2A>C (NM_001321102.2).
Identifiers: ClinVar variation 3252412 (VCV003252412.1), dbSNP rs2528802018.